The following is an entry in ClinVar:

ClinVar aggregate classification (germline): Uncertain significance (1 of 4 stars; one submission).

Conditions:
Neuropathy, hereditary sensory and autonomic, type 2A (HSAN2A). Also called: WNK1-Related HSAN2 (HSAN2A); HSAN IIA; ACROOSTEOLYSIS, GIACCAI TYPE; ACROOSTEOLYSIS, NEUROGENIC; MORVAN DISEASE; NEUROPATHY, CONGENITAL SENSORY. Identifiers: Orphanet 970, MedGen C2752089, MONDO:0024309, OMIM 201300.
Generalized epilepsy with febrile seizures plus, type 7 (GEFSP7). Also called: GEFS+, TYPE 7. Identifiers: Orphanet 36387, MedGen C2751778, MONDO:0013470, OMIM 613863.

Allele frequency attached by ClinVar (database versions not stated): gnomAD exomes below 0.00001; gnomAD 0.00001; TOPMed 0.00002.
gnomAD v4.1: 2 of 1,589,324 alleles (0.00013%); highest among the groups gnomAD compares: African/African-American, 0.0027%; no homozygotes.

Submission:

Labcorp Genetics (formerly Invitae), Labcorp
Classification: Uncertain significance for Neuropathy, hereditary sensory and autonomic, type 2A; Generalized epilepsy with febrile seizures plus, type 7. Last evaluated: 2024-01-30. Review status: criteria provided, single submitter. Criteria: Invitae Variant Classification Sherloc (09022015). Collection method: clinical testing. Allele origin: germline.
Comment: This sequence change replaces tryptophan, which is neutral and slightly polar, with leucine, which is neutral and non-polar, at codon 719 of the SCN9A protein (p.Trp719Leu). This variant is not present in population databases (gnomAD no frequency). This variant has not been reported in the literature in individuals affected with SCN9A-related conditions. ClinVar contains an entry for this variant (Variation ID: 2158443). Advanced modeling of protein sequence and biophysical properties (such as structural, functional, and spatial information, amino acid conservation, physicochemical variation, residue mobility, and thermodynamic stability) has been performed at Invitae for this missense variant, however the output from this modeling did not meet the statistical confidence thresholds required to predict the impact of this variant on SCN9A protein function. In summary, the available evidence is currently insufficient to determine the role of this variant in disease. Therefore, it has been classified as a Variant of Uncertain Significance.

NM_001365536.1(SCN9A):c.2189G>T (p.Trp730Leu)

Genes: SCN9A (sodium voltage-gated channel alpha subunit 9; minus strand), SCN1A-AS1 (SCN1A and SCN9A antisense RNA 1; plus strand). Cytogenetic location: 2q24.3.
Variant type: single nucleotide variant.
Coding change: c.2189G>T on transcript NM_001365536.1 (MANE Select); coding-DNA position 2189, G replaced by T.
Protein change: p.Trp730Leu; replaces tryptophan 730 with leucine.
Molecular consequence: missense variant.
Genome position (GRCh38, 1-based): chr2:166,280,511, C>A on the plus strand (G>T on the coding strand, the complement: SCN9A is on the minus strand). VCF-style: chr2-166280511-C-A. GRCh37 (hg19) VCF-style: chr2-167137021-C-A.
Other names: c.2156G>T, p.Trp719Leu (NM_002977.4); short protein forms W730L, W719L.
Identifiers: ClinVar variation 2158443 (VCV002158443.4), dbSNP rs1010654142, ClinGen allele CA59796663.
Genomic context (GRCh38, chr2:166,280,511, plus strand): 5'-ATTGCAAGATCTACAAAAGGATCCATTACAATAAAATAGATACACTTTTTGAATTTTATC[C>A]AATATGGAGAGCAATTCCAGATCAAGAATTTGTGTGCAAATCTGTACCACCAAGGTGGAC-3'
Protein context (NP_001352465.1, residues 720-740): KFLIWNCSPY[Trp730Leu]IKFKKCIYFI